The following is an entry in ClinVar:

ClinVar aggregate classification (germline): Uncertain significance (1 of 4 stars; one submission).

Conditions:
Inborn genetic diseases. Identifiers: MedGen C0950123, MeSH D030342.

Submission:

Ambry Genetics
Classification: Uncertain significance for Inborn genetic diseases. Last evaluated: 2026-08-29. Review status: criteria provided, single submitter. Criteria: Ambry Variant Classification Scheme 2023. Collection method: clinical testing. Allele origin: germline.
Comment: The p.A1311T variant (also known as c.3931G>A), located in coding exon 13 of the ASXL1 gene, results from a G to A substitution at nucleotide position 3931. The alanine at codon 1311 is replaced by threonine, an amino acid with similar properties. This amino acid position is conserved. In addition, this alteration is predicted to be tolerated by in silico analysis. Based on the available evidence, the clinical significance of this variant remains unclear.

NM_015338.6(ASXL1):c.3931G>A (p.Ala1311Thr)

Gene: ASXL1 (ASXL transcriptional regulator 1; plus strand). Cytogenetic location: 20q11.21.
Variant type: single nucleotide variant.
Coding change: c.3931G>A on transcript NM_015338.6 (MANE Select); coding-DNA position 3931, G replaced by A.
Protein change: p.Ala1311Thr; replaces alanine 1311 with threonine.
Molecular consequence: missense variant.
Genome position (GRCh38, 1-based): chr20:32,436,643, G>A. VCF-style: chr20-32436643-G-A. GRCh37 (hg19) VCF-style: chr20-31024446-G-A.
Other names: c.3748G>A, p.Ala1250Thr (NM_001363734.1); short protein forms A1311T, A1250T.
Identifiers: ClinVar variation 5030468 (VCV005030468.1).